The following is an entry in ClinVar:

NM_000135.4(FANCA):c.1827-1G>A

Gene: FANCA (FA complementation group A; minus strand). Cytogenetic location: 16q24.3.
Variant type: single nucleotide variant.
Coding change: c.1827-1G>A on transcript NM_000135.4 (MANE Select); the canonical splice acceptor site of the intron before coding-DNA position 1827, G replaced by A.
Molecular consequence: splice acceptor variant.
Genome position (GRCh38, 1-based): chr16:89,775,816, C>T on the plus strand (G>A on the coding strand, the complement: FANCA is on the minus strand). VCF-style: chr16-89775816-C-T. GRCh37 (hg19) VCF-style: chr16-89842224-C-T.
Other names: c.1827-1G>A (NM_001286167.3, NM_000135.3).
Identifiers: ClinVar variation 408199 (VCV000408199.29), dbSNP rs555449842, ClinGen allele CA8252011.

ClinVar aggregate classification (germline): Pathogenic. Review status: criteria provided, multiple submitters, no conflicts (2 of 4 stars). 12 submissions from 12 submitters: Pathogenic (11). 1 of the submissions does not count toward it. Last evaluated 2025-12-14.

Conditions:
FANCA-related disorders.
Fanconi anemia (FA). Also called: Fanconi's anemia. Identifiers: Orphanet 84, MedGen C0015625, MeSH D005199, MONDO:0019391.
Fanconi anemia complementation group A (FANCA). Also called: Fanconi anemia, group A; FANCA-Related Fanconi Anemia. Identifiers: Orphanet 84, MedGen C3469521, MONDO:0009215, OMIM 227650.

Allele frequency attached by ClinVar (database versions not stated): ExAC 0.00001; gnomAD exomes 0.00002; TOPMed 0.00004; gnomAD 0.00005; 1000 Genomes Project 30x 0.00016; 1000 Genomes Project 0.00020.
gnomAD v4.1: 33 of 1,608,526 alleles (0.0021%); highest among the groups gnomAD compares: African/African-American, 0.0027%; no homozygotes.

Submissions (12):

Labcorp Genetics (formerly Invitae), Labcorp
Classification: Pathogenic for Fanconi anemia. Last evaluated: 2025-12-14. Review status: criteria provided, single submitter. Criteria: Invitae Variant Classification Sherloc (09022015). Collection method: clinical testing. Allele origin: germline.
Comment: This sequence change affects an acceptor splice site in intron 20 of the FANCA gene. It is expected to disrupt RNA splicing. Variants that disrupt the donor or acceptor splice site typically lead to a loss of protein function (PMID: 16199547), and loss-of-function variants in FANCA are known to be pathogenic (PMID: 19367192). This variant is present in population databases (rs555449842, gnomAD 0.006%). Disruption of this splice site has been observed in individuals with Fanconi anemia (PMID: 19367192, 29098742). ClinVar contains an entry for this variant (Variation ID: 408199). Algorithms developed to predict the effect of sequence changes on RNA splicing suggest that this variant may disrupt the consensus splice site. For these reasons, this variant has been classified as Pathogenic.

Natera, Inc.
Classification: Pathogenic for Fanconi anemia. Last evaluated: 2025-09-29. Review status: criteria provided, single submitter. Criteria: Natera Variant Classification Schema (03/2026). Collection method: clinical testing. Allele origin: germline.
Comment: The c.1827-1G>A variant in FANCA is a canonical splice acceptor site variant predicted to affect pre-mRNA splicing, which may result in an abnormal transcript and altered protein product. This variant is expected to result in nonsense mediated decay, truncation, or a dysfunctional protein product. This variant is rare in the general population with a frequency below the threshold expected for the associated phenotype(s). This variant has been observed in one or more individuals affected with the associated recessive disease, as either homozygous or compound heterozygous with a second variant (PMID: 19367192). Given the available evidence, this variant is classified as Pathogenic.

Quest Diagnostics Nichols Institute San Juan Capistrano
Classification: Pathogenic. Last evaluated: 2025-07-08. Review status: criteria provided, single submitter. Criteria: Quest Diagnostics criteria. Collection method: clinical testing. Allele origin: unknown.
Comment: The FANCA c.1827-1G>A variant disrupts a canonical splice-acceptor site and interferes with normal FANCA mRNA splicing. This variant has been reported in the published literature in individuals affected with Fanconi anemia who were homozygous or compound heterozygous for this variant and another pathogenic FANCA variant (PMID: 35417938 (2023), 29976742 (2018), 29098742 (2018), 23613520 (2013), 19367192 (2009)). The frequency of this variant in the general population (Genome Aggregation Database) is consistent with pathogenicity. Based on the available information, this variant is classified as pathogenic for FANCA-related disorders and of uncertain significance for hereditary cancer predisposition.

Blueprint Genetics
Classification: Pathogenic for FANCA-related disorders. Last evaluated: 2024-08-29. Review status: criteria provided, single submitter. Criteria: ACMG Guidelines, 2015. Collection method: clinical testing. Allele origin: germline. Affected: yes. Observed: 5 variant alleles.

Baylor Genetics
Classification: Pathogenic for Fanconi anemia complementation group A. Last evaluated: 2024-03-12. Review status: criteria provided, single submitter. Criteria: ACMG Guidelines, 2015. Collection method: clinical testing. Allele origin: unknown.

Laboratory of Medical Genetics, National & Kapodistrian University of Athens
Classification: Pathogenic for Fanconi anemia complementation group A. Last evaluated: 2024-02-01. Review status: criteria provided, single submitter. Criteria: ACMG Guidelines, 2015. Collection method: curation. Allele origin: germline. Affected: no.

Women's Health and Genetics/Laboratory Corporation of America, LabCorp
Classification: Pathogenic for Fanconi anemia. Last evaluated: 2022-12-07. Review status: criteria provided, single submitter. Criteria: LabCorp Variant Classification Summary - May 2015. Collection method: clinical testing. Allele origin: germline.
Comment: Variant summary: FANCA c.1827-1G>A is located in a canonical splice-site and is predicted to affect mRNA splicing resulting in a significantly altered protein due to either exon skipping, shortening, or inclusion of intronic material. Several computational tools predict a significant impact on normal splicing: three predict the variant abolishes a 3' acceptor site, and two predict the variant strengthens a cryptic exonic 3' acceptor site, 5 nucleotides downstream from the original site. However, these predictions have yet to be confirmed by functional studies. The variant allele was found at a frequency of 1.6e-05 in 246900 control chromosomes (gnomAD v2.1). c.1827-1G>A has been reported in the literature in multiple homozygous- and compound heterozygous individuals affected with Fanconi Anemia (e.g. Moghrabi_2009, Chandrasekharappa_2013, Kimble_2018, Adair_2018). These data indicate that the variant is very likely to be associated with disease. To our knowledge, no experimental evidence demonstrating an impact on protein function has been reported. Six ClinVar submitters (evaluation after 2014) have all classified the variant as pathogenic. Based on the evidence outlined above, the variant was classified as pathogenic.

Fulgent Genetics
Classification: Pathogenic for Fanconi anemia complementation group A. Last evaluated: 2022-05-05. Review status: criteria provided, single submitter. Criteria: ACMG Guidelines, 2015. Collection method: clinical testing. Allele origin: unknown.

Myriad Genetics, Inc.
Classification: Pathogenic for Fanconi anemia complementation group A. Last evaluated: 2021-11-10. Review status: criteria provided, single submitter. Criteria: Myriad Women's Health Autosomal Recessive and X-Linked Classification Criteria (2021). Collection method: clinical testing. Allele origin: unknown.
Comment: NM_000135.2(FANCA):c.1827-1G>A is a canonical splice variant classified as pathogenic in the context of Fanconi anemia complementation group A. c.1827-1G>A has been observed in cases with relevant disease (PMID: 19367192). Functional assessments of this variant are not available in the literature. c.1827-1G>A has been observed in population frequency databases (gnomAD NFE 0.005%). In summary, NM_000135.2(FANCA):c.1827-1G>A is a canonical splice variant in a gene where loss of function is a known mechanism of disease, is predicted to disrupt protein function, and has been observed more frequently in cases with the relevant disease than in healthy populations. Please note: this variant was assessed in the context of healthy population screening.

Revvity Omics, Revvity
Classification: Pathogenic for Fanconi anemia complementation group A. Last evaluated: 2021-04-06. Review status: criteria provided, single submitter. Criteria: ACMG Guidelines, 2015. Collection method: clinical testing. Allele origin: germline.

Center for Genomics, Ann and Robert H. Lurie Children's Hospital of Chicago
Classification: Pathogenic for Fanconi anemia complementation group A. Last evaluated: 2021-03-30. Review status: criteria provided, single submitter. Criteria: ACMG Guidelines, 2015. Collection method: clinical testing. Allele origin: germline.
Comment: FANCA NM_000135 exon 21 c.1827-1G>A: This variant has been reported in the literature in 5 individuals with Fanconi Anemia as homozygous or compound heterozygous (Moghrabi 2009 PMID:19367192). This variant is present in 7/124746 European alleles in the Genome Aggregation Database. This variant is present in ClinVar (Variation ID:408199). Evolutionary conservation and computational predictive tools for this variant are limited or unavailable. Of note, this variant alters the consensus splice sequence (+/- 1,2) which is predicted to result in an absent or abnormal protein. Loss of function variants are a known mechanism of disease for this gene (Mathew 2006 PMID:16998502). In summary, this variant is classified as pathogenic.

Leiden Open Variation Database
Classification: Pathogenic for Fanconi anemia complementation group A. Last evaluated: 2020-02-28. Review status: no assertion criteria provided. Collection method: curation. Allele origin: germline. Affected: yes. Not counted in ClinVar's aggregate classification.
Comment: Curator: Arleen D. Auerbach. Submitters to LOVD: Arleen D. Auerbach, Sue Richards.

Literature cited by the submitters: PubMed 16199547 (cited by Labcorp Genetics (formerly Invitae), Labcorp); PubMed 19367192 (cited by 5 submitters); PubMed 29098742 (cited by 3 submitters); PubMed 35417938 (cited by Quest Diagnostics Nichols Institute San Juan Capistrano); PubMed 29976742 (cited by Quest Diagnostics Nichols Institute San Juan Capistrano and Women's Health and Genetics/Laboratory Corporation of America, LabCorp); PubMed 23613520 (cited by Quest Diagnostics Nichols Institute San Juan Capistrano and Women's Health and Genetics/Laboratory Corporation of America, LabCorp).